The following is an entry in ClinVar:

NM_000344.4(SMN1):c.283G>C (p.Gly95Arg)

Gene: SMN1 (survival of motor neuron 1, telomeric). Cytogenetic location: 5q13.2.
Variant type: single nucleotide variant.
Coding change: c.283G>C on transcript NM_000344.4 (MANE Select); coding-DNA position 283, G replaced by C.
Protein change: p.Gly95Arg; replaces glycine 95 with arginine.
Molecular consequence: missense variant.
Genome position (GRCh38, 1-based): chr5:70,942,367, G>C. VCF-style: chr5-70942367-G-C. GRCh37 (hg19) VCF-style: chr5-70238194-G-C.
Other names: c.283G>C, p.Gly95Arg (NM_001297715.1, NM_022874.2); short protein forms G95R.
Identifiers: ClinVar variation 9176 (VCV000009176.6), dbSNP rs104893927, ClinGen allele CA254690.

ClinVar aggregate classification (germline): Pathogenic. Review status: criteria provided, multiple submitters, no conflicts (2 of 4 stars). 3 submissions from 3 submitters: Pathogenic (2). 1 of the submissions does not count toward it. Last evaluated 2023-07-17.

Conditions:
Spinal muscular atrophy (SMA). Identifiers: MedGen C0026847, MeSH D009134, MONDO:0001516, HP:0007269.
Kugelberg-Welander disease (SMA3). Also called: SPINAL MUSCULAR ATROPHY, TYPE III; KUGELBERG-WELANDER SYNDROME; SMA III; SPINAL MUSCULAR ATROPHY, MILD CHILDHOOD AND ADOLESCENT FORM; MUSCULAR ATROPHY, JUVENILE; Juvenile Spinal Muscular Atrophy. Identifiers: Orphanet 70, Orphanet 83419, MedGen C0152109, MONDO:0009672, OMIM 253400.

Submissions (3):

Victorian Clinical Genetics Services, Murdoch Childrens Research Institute
Classification: Pathogenic for Spinal muscular atrophy. Last evaluated: 2023-07-17. Review status: criteria provided, single submitter. Criteria: ACMG Guidelines, 2015. Collection method: clinical testing. Allele origin: germline. Inheritance: Autosomal recessive inheritance. Affected: yes.
Comment: Based on the classification scheme VCGS_Germline_v1.3.4, this variant is classified as Pathogenic. Following criteria are met: 0102 - Loss of function is a known mechanism of disease in this gene and is associated with spinal muscular atrophy-1 (MIM#253300), spinal muscular atrophy-2 (MIM#253550), spinal muscular atrophy-3 (MIM#253400) and spinal muscular atrophy-4 (MIM#271150). (I) 0106 - This gene is associated with autosomal recessive disease. (I) 0200 - Variant is predicted to result in a missense amino acid change from glycine to arginine. (I) 0251 - This variant is heterozygous. (I) 0301 - Variant is absent from gnomAD (both v2 and v3). However, the sequencing coverage in this region is very poor in gnomAD. (I) 0501 - Missense variant consistently predicted to be damaging by multiple in silico tools or highly conserved with a major amino acid change. (SP) 0600 - Variant is located in the annotated Tudor domain (PMID: 15580564). (I) 0705 - No comparable missense variants have previous evidence for pathogenicity. (I) 0802 - This variant has moderate previous evidence of pathogenicity in unrelated individuals. It has been reported as pathogenic by a clinical testing laboratory (ClinVar). It has also been reported in three unrelated individuals with spinal muscular atrophy who either has only one copy of SMN2 gene or are compound heterozygous with a deletion in SMN1 gene (PMIDs: 15580564, 31903607, 33481221), and an individual with probable diagnosis of spinal muscular atrophy who is also heterozygous for loss of SMN1 exon 7 (PMID: 32721234). (SP) 1002 - This variant has moderate functional evidence supporting abnormal protein function. In vitro experiments showed SMN protein with this variant had reduced binding to spliceosomal proteins, Sm-B and Sm-D1, as well as FUS/TLS and TDP-43 proteins which are associated with motor neuron disease (PMIDs: 15580564, 23255347). (I) Legend: (SP) - Supporting pathogenic, (I) - Information, (SB) - Supporting benign

Molecular Diagnostics Lab, Nemours Children's Health, Delaware
Classification: Pathogenic. Last evaluated: 2016-03-18. Review status: criteria provided, single submitter. Criteria: ACMG Guidelines, 2015. Collection method: clinical testing. Allele origin: unknown. Affected: yes. Observed: 1 variant allele.

OMIM
Classification: Pathogenic for SPINAL MUSCULAR ATROPHY, TYPE III. Last evaluated: 2005-01-01. Review status: no assertion criteria provided. Collection method: literature only. Allele origin: germline. Not counted in ClinVar's aggregate classification.

Literature cited by the submitters: PubMed 15580564 (cited by 3 submitters); PubMed 23255347 (cited by Victorian Clinical Genetics Services, Murdoch Childrens Research Institute); PubMed 31903607 (cited by Victorian Clinical Genetics Services, Murdoch Childrens Research Institute); PubMed 32721234 (cited by Victorian Clinical Genetics Services, Murdoch Childrens Research Institute); PubMed 33481221 (cited by Victorian Clinical Genetics Services, Murdoch Childrens Research Institute).